The following is an entry in ClinVar:

ClinVar aggregate classification (germline): Conflicting classifications of pathogenicity. Review status: criteria provided, conflicting classifications (1 of 4 stars). 4 submissions from 4 submitters: Uncertain significance (1); Benign (1); Likely benign (1). 1 of the submissions does not count toward it. Last evaluated 2026-08-01.

Conditions:
Age related macular degeneration 1 (ARMD1). Also called: MACULOPATHY, AGE-RELATED, 1. Identifiers: MedGen C1864205, MONDO:0011285, OMIM 603075.
HMCN1-related disorder. Also called: HMCN1-related condition.

Allele frequency attached by ClinVar (database versions not stated): ESP Exome Variant Server 0.00008; TOPMed 0.00014; 1000 Genomes Project 30x 0.00016; 1000 Genomes Project 0.00020; gnomAD exomes 0.00051 and 0.00123; gnomAD 0.00092 and 0.00096; ExAC 0.00099.
gnomAD v4.1: 896 of 1,614,100 alleles (0.056%); highest among the groups gnomAD compares: East Asian, 0.058%; 8 homozygotes.

Submissions (4):

CeGaT Center for Human Genetics Tuebingen
Classification: Likely benign. Last evaluated: 2026-08-01. Review status: criteria provided, single submitter. Criteria: CeGaT Center For Human Genetics Tuebingen Variant Classification Criteria Version 2. Collection method: clinical testing. Allele origin: germline. Affected: yes. Observed: 1 variant allele.
Comment: HMCN1: BP4, BS1

Labcorp Genetics (formerly Invitae), Labcorp
Classification: Benign. Last evaluated: 2025-12-19. Review status: criteria provided, single submitter. Criteria: Invitae Variant Classification Sherloc (09022015). Collection method: clinical testing. Allele origin: germline.

Illumina Laboratory Services, Illumina
Classification: Uncertain significance for Age related macular degeneration 1. Last evaluated: 2018-01-12. Review status: criteria provided, single submitter. Criteria: ICSL Variant Classification Criteria 13 December 2019. Collection method: clinical testing. Allele origin: germline.

PreventionGenetics, part of Exact Sciences
Classification: Benign for HMCN1-related condition. Last evaluated: 2019-06-05. Review status: no assertion criteria provided. Collection method: clinical testing. Allele origin: germline. Not counted in ClinVar's aggregate classification.
Comment: This variant is classified as benign based on ACMG/AMP sequence variant interpretation guidelines (Richards et al. 2015 PMID: 25741868, with internal and published modifications).

NM_031935.3(HMCN1):c.12080A>G (p.Asn4027Ser)

Gene: HMCN1 (hemicentin 1; plus strand). Cytogenetic location: 1q31.1.
Variant type: single nucleotide variant.
Coding change: c.12080A>G on transcript NM_031935.3 (MANE Select); coding-DNA position 12080, A replaced by G.
Protein change: p.Asn4027Ser; replaces asparagine 4027 with serine.
Molecular consequence: missense variant.
Genome position (GRCh38, 1-based): chr1:186,119,868, A>G. VCF-style: chr1-186119868-A-G. GRCh37 (hg19) VCF-style: chr1-186089000-A-G.
Other names: short protein forms N4027S.
Identifiers: ClinVar variation 294242 (VCV000294242.12), dbSNP rs144994573, ClinGen allele CA1294244.